The following is an entry in ClinVar:

ClinVar aggregate classification (germline): Likely pathogenic (1 of 4 stars; one submission).

Conditions:
Intellectual developmental disorder, X-linked 99, syndromic, female-restricted. Also called: Intellectual disability, X-linked 99, syndromic, female-restricted. Identifiers: MedGen C4225416, MONDO:0010502, OMIM 300968.

Submission:

Victorian Clinical Genetics Services, Murdoch Childrens Research Institute
Classification: Likely pathogenic for Intellectual developmental disorder, X-linked 99, syndromic, female-restricted. Last evaluated: 2022-02-02. Review status: criteria provided, single submitter. Criteria: ACMG Guidelines, 2015. Collection method: clinical testing. Allele origin: germline. Inheritance: X-linked inheritance. Affected: yes.
Comment: Based on the classification scheme VCGS_Germline_v1.3.4, this variant is classified as Likely pathogenic. Following criteria are met: 0102 - Loss of function is a known mechanism of disease in this gene and is associated with X-linked intellectual disability 99 (MIM#300919) and X-linked intellectual disability 99, syndromic, female restricted (MIM#300968). (I) 0108 - This gene is associated with both X-linked recessive and X-linked dominant disease. Partial loss of function missense variants result in X-linked recessive disease, affecting predominantly males. Variants resulting in a premature termination codon or a more complete loss of function are restricted to females in an X-linked dominant pattern of inheritance (PMID: 31443933, PMID: 26833328). (I) 0200 - Variant is predicted to result in a missense amino acid change from glutamic acid to lysine. (I) 0251 - This variant is heterozygous. (I) 0301 - Variant is absent from gnomAD (both v2 and v3). (SP) 0502 - Missense variant with conflicting in silico predictions and uninformative conservation. (I) 0602 - Variant is located in a hotspot region or cluster of pathogenic variants. The variant is located within the zinc finger motif of the catalytic domain which is enriched with female patients (PMID: 33298948, PMID: 16005295, PMID: 27501351). (SP) 0705 - No comparable missense variants have previous evidence for pathogenicity. (I) 0807 - This variant has no previous evidence of pathogenicity. (I) 0905 - No published segregation evidence has been identified for this variant. (I) 1007 - No published functional evidence has been identified for this variant. USP9X is reported to escape X-inactivation. However, the degree to which a gene escapes from X-inactivation is known to be variable and can be tissue specific. Another case with a different maternally inherited variant (p.(Arg215*)) has been reported, where the carrier mother has a history of scoliosis but is otherwise unaffected (PMID: 26833328, PMID: 33298948). (I) 1102 - Strong phenotype match for this individual (PMID: 33298948). (SP) Legend: (SP) - Supporting pathogenic, (I) - Information, (SB) - Supporting benign

Literature cited by the submitters: PubMed 16005295; PubMed 26833328; PubMed 27501351; PubMed 31443933; PubMed 33298948.

NM_001039591.3(USP9X):c.5290G>A (p.Glu1764Lys)

Gene: USP9X (ubiquitin specific peptidase 9 X-linked; plus strand). Cytogenetic location: Xp11.4.
Variant type: single nucleotide variant.
Coding change: c.5290G>A on transcript NM_001039591.3 (MANE Select); coding-DNA position 5290, G replaced by A.
Protein change: p.Glu1764Lys; replaces glutamic acid 1764 with lysine.
Molecular consequence: missense variant.
Genome position (GRCh38, 1-based): chrX:41,214,668, G>A. VCF-style: chrX-41214668-G-A. GRCh37 (hg19) VCF-style: chrX-41073921-G-A.
Other names: c.5290G>A, p.Glu1764Lys (NM_001039590.3); c.5305G>A, p.Glu1769Lys (NM_001410748.1, NM_001410749.1); short protein forms E1764K, E1769K.
Identifiers: ClinVar variation 3377463 (VCV003377463.1).